The following is an entry in ClinVar:

ClinVar aggregate classification (germline): Likely pathogenic (1 of 4 stars; one submission).

Conditions:
Sotos syndrome (SOTOS). Also called: CHROMOSOME 5q35 DELETION SYNDROME; SOTOS SYNDROME 1; CEREBRAL GIGANTISM; Sotos' syndrome; Distinctive facial appearance, overgrowth in childhood, and learning disabilities or delayed development. Identifiers: Orphanet 821, MedGen C0175695, MONDO:0019349, OMIM 117550.

Submission:

Genetics and Molecular Pathology, SA Pathology
Classification: Likely pathogenic for Sotos syndrome. Last evaluated: 2022-01-17. Review status: criteria provided, single submitter. Criteria: ACMG Guidelines, 2015. Collection method: clinical testing. Allele origin: germline. Inheritance: Autosomal dominant inheritance. Affected: yes.
Comment: The NSD1 c.6208T>C variant is classified as LIKELY PATHOGENIC (PS2, PM2, PP3) The NSD1 c.6208T>C variant is a single nucleotide change in exon 21/23 of the NSD1 gene, which is predicted to change the amino acid cysteine at position 2070 in the protein to arginine. This variant is absent from population databases (PM2). This variant has not been reported in dbSNP. This variant has not been reported in the ClinVar or HGMD disease databases. Computational predictions support a deleterious effect on the gene or gene product (PP3).

NM_022455.5(NSD1):c.6208T>C (p.Cys2070Arg)

Gene: NSD1 (nuclear receptor binding SET domain protein 1; plus strand). Cytogenetic location: 5q35.3.
Variant type: single nucleotide variant.
Coding change: c.6208T>C on transcript NM_022455.5 (MANE Select); coding-DNA position 6208, T replaced by C.
Protein change: p.Cys2070Arg; replaces cysteine 2070 with arginine.
Molecular consequence: missense variant.
Genome position (GRCh38, 1-based): chr5:177,288,875, T>C. VCF-style: chr5-177288875-T-C. GRCh37 (hg19) VCF-style: chr5-176715876-T-C.
Other names: c.5335T>C, p.Cys1779Arg (NM_001365684.2, NM_001409308.1, NM_172349.5); c.6208T>C, p.Cys2070Arg (NM_001409301.1, NM_001409302.1, NM_001409303.1); c.5788T>C, p.Cys1930Arg (NM_001409304.1); c.5455T>C, p.Cys1819Arg (NM_001409305.1); c.5446T>C, p.Cys1816Arg (NM_001409306.1, NM_001409307.1); short protein forms C1801R, C2070R, C1779R, C1816R, C1930R, C1819R.
Identifiers: ClinVar variation 1698888 (VCV001698888.3), dbSNP rs1759551453, ClinGen allele CA362318117.